The following is an entry in ClinVar:

NM_017617.5(NOTCH1):c.5168-5C>G

Gene: NOTCH1 (notch receptor 1; minus strand). Cytogenetic location: 9q34.3.
Variant type: single nucleotide variant.
Coding change: c.5168-5C>G on transcript NM_017617.5 (MANE Select); 5 bases into the intron before coding-DNA position 5168, C replaced by G.
Molecular consequence: intron variant.
Genome position (GRCh38, 1-based): chr9:136,502,493, G>C on the plus strand (C>G on the coding strand, the complement: NOTCH1 is on the minus strand). VCF-style: chr9-136502493-G-C. GRCh37 (hg19) VCF-style: chr9-139396945-G-C.
Other names: c.5168-5C>G (NM_017617.3).
Identifiers: ClinVar variation 2052420 (VCV002052420.5), dbSNP rs757370134, ClinGen allele CA201641838.
Genomic context (GRCh38, chr9:136,502,493, plus strand): 5'-CGCCGCCACGTACATGAAGTGCAGCTGCGCCGGCGGGGGCGGCTCCACGGTCTCACCTGC[G>C]GGCACGGGGGCCAGGGGCAGGTGCCCGGACATCAGGCAGCGGCTACGCAGCAGGCTGGTG-3'

ClinVar aggregate classification (germline): Conflicting classifications of pathogenicity. Review status: criteria provided, conflicting classifications (1 of 4 stars). 2 submissions from 2 submitters: Uncertain significance (1); Likely benign (1). Last evaluated 2025-10-25.

Conditions:
Adams-Oliver syndrome 5 (AOS5). Identifiers: Orphanet 974, MedGen C4014970, MONDO:0014459, OMIM 616028.
Familial thoracic aortic aneurysm and aortic dissection (TAAD). Also called: Thoracic aortic aneurysms and dissections. Identifiers: Orphanet 91387, MedGen C4707243, MONDO:0019625.

gnomAD v4.1: 18 of 1,527,968 alleles (0.0012%); highest among the groups gnomAD compares: Non-Finnish European, 0.0015%; no homozygotes.

Submissions (2):

Labcorp Genetics (formerly Invitae), Labcorp
Classification: Likely benign for Adams-Oliver syndrome 5. Last evaluated: 2025-10-25. Review status: criteria provided, single submitter. Criteria: Invitae Variant Classification Sherloc (09022015). Collection method: clinical testing. Allele origin: germline.

Ambry Genetics
Classification: Uncertain significance for Familial thoracic aortic aneurysm and aortic dissection. Last evaluated: 2025-08-20. Review status: criteria provided, single submitter. Criteria: Ambry Variant Classification Scheme 2023. Collection method: clinical testing. Allele origin: germline.
Comment: The c.5168-5C>G intronic variant results from a C to G substitution 5 nucleotides upstream from coding exon 28 in the NOTCH1 gene. This nucleotide position is not well conserved in available vertebrate species. In silico splice site analysis for this alteration is inconclusive. Based on the available evidence, the clinical significance of this variant remains unclear.